The following is an entry in ClinVar:

ClinVar aggregate classification (germline): Conflicting classifications of pathogenicity. Review status: criteria provided, conflicting classifications (1 of 4 stars). 3 submissions from 3 submitters: Uncertain significance (2); Likely benign (1). Last evaluated 2025-12-27.

Conditions:
Hereditary cancer-predisposing syndrome. Also called: Neoplastic Syndromes, Hereditary; Hereditary Cancer Syndrome; Tumor predisposition; Hereditary neoplastic syndrome. Identifiers: Orphanet 140162, MedGen C0027672, MeSH D009386, MONDO:0015356.
Lynch syndrome. Identifiers: Orphanet 144, MedGen C4552100, MONDO:0005835. Disease mechanism: loss of function.
Hereditary nonpolyposis colorectal neoplasms. Identifiers: MedGen C0009405, MeSH D003123.

Submissions (3):

Labcorp Genetics (formerly Invitae), Labcorp
Classification: Uncertain significance for Hereditary nonpolyposis colorectal neoplasms. Last evaluated: 2025-12-27. Review status: criteria provided, single submitter. Criteria: Invitae Variant Classification Sherloc (09022015). Collection method: clinical testing. Allele origin: germline.
Comment: This sequence change replaces alanine, which is neutral and non-polar, with valine, which is neutral and non-polar, at codon 474 of the PMS2 protein (p.Ala474Val). This variant is not present in population databases (gnomAD no frequency). This variant has not been reported in the literature in individuals affected with PMS2-related conditions. ClinVar contains an entry for this variant (Variation ID: 3780447). Invitae Evidence Modeling incorporating data from in vitro experimental studies (internal data) indicates that this missense variant is not expected to disrupt PMS2 function with a negative predictive value of 95%. In summary, the available evidence is currently insufficient to determine the role of this variant in disease. Therefore, it has been classified as a Variant of Uncertain Significance.

Ambry Genetics
Classification: Likely benign for Hereditary cancer-predisposing syndrome. Last evaluated: 2024-12-15. Review status: criteria provided, single submitter. Criteria: Ambry Variant Classification Scheme 2023. Collection method: clinical testing. Allele origin: germline.

Department of Pathology and Laboratory Medicine, Sinai Health System
Classification: Uncertain significance for Lynch syndrome. Last evaluated: 2021-12-10. Review status: criteria provided, single submitter. Criteria: ACMG Guidelines, 2015. Collection method: clinical testing. Allele origin: germline. Affected: yes.

NM_000535.7(PMS2):c.1421C>T (p.Ala474Val)

Gene: PMS2 (PMS1 homolog 2, mismatch repair system component; minus strand). Cytogenetic location: 7p22.1.
Variant type: single nucleotide variant.
Coding change: c.1421C>T on transcript NM_000535.7 (MANE Select); coding-DNA position 1421, C replaced by T.
Protein change: p.Ala474Val; replaces alanine 474 with valine.
Molecular consequence: missense variant. On other transcripts: non-coding transcript variant (1), intron variant (1).
Genome position (GRCh38, 1-based): chr7:5,987,344, G>A on the plus strand (C>T on the coding strand, the complement: PMS2 is on the minus strand). VCF-style: chr7-5987344-G-A. GRCh37 (hg19) VCF-style: chr7-6026975-G-A.
Other names: c.1016C>T, p.Ala339Val (NM_001322003.2, NM_001322004.2, NM_001322005.2 and 16 more transcripts); c.1265C>T, p.Ala422Val (NM_001322006.2, NM_001406870.1); c.1103C>T, p.Ala368Val (NM_001322007.2, NM_001322008.2, NM_001406876.1 and 2 more transcripts); c.860C>T, p.Ala287Val (NM_001322010.2, NM_001406906.1, NM_001406907.1); c.488C>T, p.Ala163Val (NM_001322011.2, NM_001322012.2); c.848C>T, p.Ala283Val (NM_001322013.2, NM_001406909.1); c.1421C>T, p.Ala474Val (NM_001322014.2, NM_001406871.1, NM_001406872.1); c.1112C>T, p.Ala371Val (NM_001322015.2, NM_001406875.1, NM_001406877.1 and 5 more transcripts); and 13 more; short protein forms A163V, A217V, A283V, A287V, A303V, A316V, A319V, A339V.
Identifiers: ClinVar variation 3780447 (VCV003780447.2).